The following is an entry in ClinVar:

NM_152703.5(SAMD9L):c.167T>C (p.Val56Ala)

Gene: SAMD9L (sterile alpha motif domain containing 9 like; minus strand). Cytogenetic location: 7q21.2.
Variant type: single nucleotide variant.
Coding change: c.167T>C on transcript NM_152703.5 (MANE Select); coding-DNA position 167, T replaced by C.
Protein change: p.Val56Ala; replaces valine 56 with alanine.
Molecular consequence: missense variant.
Genome position (GRCh38, 1-based): chr7:93,135,805, A>G on the plus strand (T>C on the coding strand, the complement: SAMD9L is on the minus strand). VCF-style: chr7-93135805-A-G. GRCh37 (hg19) VCF-style: chr7-92765118-A-G.
Other names: c.167T>C, p.Val56Ala (NM_001303496.3, NM_001303497.3, NM_001303498.3 and 5 more transcripts); c.167T>C (NM_152703.2); short protein forms V56A.
Identifiers: ClinVar variation 450788 (VCV000450788.7), dbSNP rs772222846, ClinGen allele CA4343922.
Genomic context (GRCh38, chr7:93,135,805, plus strand): 5'-TTCAATTTGTTGTATGAACGTTTTATCAAAAGTGCTGGACCCCATGGTAGCCCCATTTCT[A>G]CAAGGTCCTTCTCAGTTAATTCCTGCAGGACTAATCCTGTTACTTCTTCACTGAGCAGAA-3'
Protein context (NP_689916.2, residues 46-66): VLQELTEKDL[Val56Ala]EMGLPWGPAL

ClinVar aggregate classification (germline): Uncertain significance. Review status: criteria provided, multiple submitters, no conflicts (2 of 4 stars). 3 submissions from 3 submitters: Uncertain significance (3). Last evaluated 2024-12-14.

Conditions:
Inborn genetic diseases. Identifiers: MedGen C0950123, MeSH D030342.

Allele frequency attached by ClinVar (database versions not stated): gnomAD exomes 0.00001 and 0.00002; ExAC 0.00002.

Submissions (3):

Ambry Genetics
Classification: Uncertain significance for Inborn genetic diseases. Last evaluated: 2024-12-14. Review status: criteria provided, single submitter. Criteria: Ambry Variant Classification Scheme 2023. Collection method: clinical testing. Allele origin: germline.
Comment: The p.V56A variant (also known as c.167T>C), located in coding exon 1 of the SAMD9L gene, results from a T to C substitution at nucleotide position 167. The valine at codon 56 is replaced by alanine, an amino acid with similar properties. This amino acid position is conserved. In addition, this alteration is predicted to be tolerated by in silico analysis. Based on the available evidence, the clinical significance of this variant remains unclear.

Labcorp Genetics (formerly Invitae), Labcorp
Classification: Uncertain significance. Last evaluated: 2024-02-24. Review status: criteria provided, single submitter. Criteria: Invitae Variant Classification Sherloc (09022015). Collection method: clinical testing. Allele origin: germline.
Comment: This sequence change replaces valine, which is neutral and non-polar, with alanine, which is neutral and non-polar, at codon 56 of the SAMD9L protein (p.Val56Ala). This variant is present in population databases (rs772222846, gnomAD 0.004%). This variant has not been reported in the literature in individuals affected with SAMD9L-related conditions. ClinVar contains an entry for this variant (Variation ID: 450788). An algorithm developed to predict the effect of missense changes on protein structure and function (PolyPhen-2) suggests that this variant is likely to be tolerated. In summary, the available evidence is currently insufficient to determine the role of this variant in disease. Therefore, it has been classified as a Variant of Uncertain Significance.

GeneDx
Classification: Uncertain significance. Last evaluated: 2018-08-07. Review status: criteria provided, single submitter. Criteria: GeneDx Variant Classification (06012015). Collection method: clinical testing. Allele origin: germline. Affected: yes.
Comment: The V56A variant has not been published as a pathogenic variant, nor has it been reported as a benign variant to our knowledge. The V56A variant is observed in 4/245954 (0.002%) total alleles in large population cohorts (Lek et al., 2016). The V56A variant is a conservative amino acid substitution, which is not likely to impact secondary protein structure as these residues share similar properties. In-silico analyses, including protein predictors and evolutionary conservation, support that this variant does not alter protein structure/function. We interpret V56A as a variant of uncertain significance.